The following is an entry in ClinVar:

ClinVar aggregate classification (germline): Uncertain significance. Review status: criteria provided, multiple submitters, no conflicts (2 of 4 stars). 9 submissions from 9 submitters: Uncertain significance (8). 1 of the submissions does not count toward it. Last evaluated 2025-10-13.

Conditions:
ATM-related cancer predisposition. Also called: ATM-related cancer susceptibility. Identifiers: MedGen CN377759, MONDO:0700270.
Hereditary cancer-predisposing syndrome. Also called: Neoplastic Syndromes, Hereditary; Hereditary neoplastic syndrome; Tumor predisposition; Hereditary Cancer Syndrome. Identifiers: Orphanet 140162, MedGen C0027672, MeSH D009386, MONDO:0015356.
Familial cancer of breast. Also called: hereditary breast carcinoma; Hereditary breast cancer; BREAST CANCER, FAMILIAL. Identifiers: Orphanet 227535, MedGen C0346153, MONDO:0016419, OMIM 114480. Disease mechanism: loss of function.
Ataxia-telangiectasia syndrome (AT). Also called: Ataxia telangiectasia (A-T); Cerebello-oculocutaneous telangiectasia; Immunodeficiency with ataxia telangiectasia; LOUIS-BAR SYNDROME; AT, COMPLEMENTATION GROUP C; ATAXIA-TELANGIECTASIA, FRESNO VARIANT. Identifiers: Orphanet 100, MedGen C0004135, MONDO:0008840, OMIM 208900.

Allele frequency attached by ClinVar (database versions not stated): TOPMed below 0.00001; ExAC 0.00001; gnomAD exomes below 0.00001; ESP Exome Variant Server 0.00008.
gnomAD v4.1: 6 of 1,614,156 alleles (0.00037%); highest among the groups gnomAD compares: Non-Finnish European, 0.00051%; no homozygotes.

Submissions (9):

Dasa
Classification: Uncertain significance for ATM-related cancer predisposition. Last evaluated: 2025-10-13. Review status: criteria provided, single submitter. Criteria: DASA Assertion Criteria. Collection method: clinical testing. Allele origin: germline.
Comment: NM_000051.4(ATM):c.8860T>C (p.Tyr2954His) is a missense variant that results in the substitution of tyrosine with histidine. This variant is rare in population databases. Computational prediction algorithms are consistent with a deleterious effect. The currently available literature and clinical evidence are not sufficient to establish a definitive association between this variant and the reported condition. Therefore, this variant is classified as a variant of uncertain significance.

Color Diagnostics, LLC DBA Color Health
Classification: Uncertain significance for Hereditary cancer-predisposing syndrome. Last evaluated: 2025-05-12. Review status: criteria provided, single submitter. Criteria: ACMG Guidelines, 2015. Collection method: clinical testing. Allele origin: germline.
Comment: This missense variant replaces tyrosine with histidine at codon 2954 of the ATM protein. Computational prediction suggests that this variant may have deleterious impact on protein structure and function. To our knowledge, functional studies have not been reported for this variant. This variant has not been reported in individuals affected with ATM-related disorders in the literature. This variant has been identified in 1/251346 chromosomes in the general population by the Genome Aggregation Database (gnomAD). The available evidence is insufficient to determine the role of this variant in disease conclusively. Therefore, this variant is classified as a Variant of Uncertain Significance.

Labcorp Genetics (formerly Invitae), Labcorp
Classification: Uncertain significance for Ataxia-telangiectasia syndrome. Last evaluated: 2024-12-02. Review status: criteria provided, single submitter. Criteria: Invitae Variant Classification Sherloc (09022015). Collection method: clinical testing. Allele origin: germline.
Comment: This sequence change replaces tyrosine, which is neutral and polar, with histidine, which is basic and polar, at codon 2954 of the ATM protein (p.Tyr2954His). This variant is present in population databases (rs371619067, gnomAD 0.002%). This variant has not been reported in the literature in individuals affected with ATM-related conditions. ClinVar contains an entry for this variant (Variation ID: 232777). Invitae Evidence Modeling of protein sequence and biophysical properties (such as structural, functional, and spatial information, amino acid conservation, physicochemical variation, residue mobility, and thermodynamic stability) has been performed for this missense variant. However, the output from this modeling did not meet the statistical confidence thresholds required to predict the impact of this variant on ATM protein function. In summary, the available evidence is currently insufficient to determine the role of this variant in disease. Therefore, it has been classified as a Variant of Uncertain Significance.

Ambry Genetics
Classification: Uncertain significance for Hereditary cancer-predisposing syndrome. Last evaluated: 2024-05-08. Review status: criteria provided, single submitter. Criteria: Ambry Variant Classification Scheme 2023. Collection method: clinical testing. Allele origin: germline.
Comment: The p.Y2954H variant (also known as c.8860T>C), located in coding exon 61 of the ATM gene, results from a T to C substitution at nucleotide position 8860. The tyrosine at codon 2954 is replaced by histidine, an amino acid with similar properties. This variant was identified in 2 of 13087 breast cancer cases and 1 of 5488 control individuals in the UK (Decker B et al. J Med Genet, 2017 Nov;54:732-741). This amino acid position is highly conserved in available vertebrate species. In addition, this alteration is predicted to be deleterious by in silico analysis. Based on the available evidence, the clinical significance of this variant remains unclear.

GeneDx
Classification: Uncertain significance. Last evaluated: 2024-03-20. Review status: criteria provided, single submitter. Criteria: GeneDx Variant Classification Process June 2021. Collection method: clinical testing. Allele origin: germline. Affected: yes.
Comment: Not observed at significant frequency in large population cohorts (gnomAD); In silico analysis supports that this missense variant has a deleterious effect on protein structure/function; This variant is associated with the following publications: (PMID: 28779002, 23532176, 29684080, 26689913, 28569218, 34359559)

Baylor Genetics
Classification: Uncertain significance for Familial cancer of breast. Last evaluated: 2023-08-24. Review status: criteria provided, single submitter. Criteria: ACMG Guidelines, 2015. Collection method: clinical testing. Allele origin: unknown.

Genetic Services Laboratory, University of Chicago
Classification: Uncertain significance. Last evaluated: 2021-10-12. Review status: criteria provided, single submitter. Criteria: ACMG Guidelines, 2015. Collection method: clinical testing. Allele origin: germline. Affected: no.

Quest Diagnostics Nichols Institute San Juan Capistrano
Classification: Uncertain significance. Last evaluated: 2021-08-18. Review status: criteria provided, single submitter. Criteria: Quest Diagnostics criteria. Collection method: clinical testing. Allele origin: unknown.

Natera, Inc.
Classification: Uncertain significance for Ataxia-telangiectasia. Last evaluated: 2020-03-09. Review status: no assertion criteria provided. Collection method: clinical testing. Allele origin: germline. Not counted in ClinVar's aggregate classification.

Literature cited by the submitters: PubMed 28779002 (cited by Ambry Genetics and Quest Diagnostics Nichols Institute San Juan Capistrano); PubMed 34359559 (cited by Quest Diagnostics Nichols Institute San Juan Capistrano); PubMed 29684080 (cited by Quest Diagnostics Nichols Institute San Juan Capistrano).

NM_000051.4(ATM):c.8860T>C (p.Tyr2954His)

Genes: ATM (ATM serine/threonine kinase; plus strand), C11orf65 (chromosome 11 open reading frame 65; minus strand). Cytogenetic location: 11q22.3.
Variant type: single nucleotide variant.
Coding change: c.8860T>C on transcript NM_000051.4 (MANE Select); coding-DNA position 8860, T replaced by C.
Protein change: p.Tyr2954His; replaces tyrosine 2954 with histidine.
Molecular consequence: missense variant. On other transcripts: intron variant (2).
Genome position (GRCh38, 1-based): chr11:108,365,091, T>C. VCF-style: chr11-108365091-T-C. GRCh37 (hg19) VCF-style: chr11-108235818-T-C.
Other names: c.8860T>C, p.Tyr2954His (NM_001351834.2); c.640+20829A>G (NM_001330368.2); c.694+20829A>G (NM_001351110.2); short protein forms Y2954H.
Identifiers: ClinVar variation 232777 (VCV000232777.39), dbSNP rs371619067, ClinGen allele CA6266486.